The following is an entry in ClinVar:

ClinVar aggregate classification (germline): Uncertain significance (1 of 4 stars; one submission).

Conditions:
Hereditary nonpolyposis colorectal neoplasms. Identifiers: MedGen C0009405, MeSH D003123.

Submission:

Labcorp Genetics (formerly Invitae), Labcorp
Classification: Uncertain significance for Hereditary nonpolyposis colorectal neoplasms. Last evaluated: 2025-12-26. Review status: criteria provided, single submitter. Criteria: Invitae Variant Classification Sherloc (09022015). Collection method: clinical testing. Allele origin: germline.
Comment: This sequence change replaces lysine, which is basic and polar, with asparagine, which is neutral and polar, at codon 537 of the MSH6 protein (p.Lys537Asn). This variant is not present in population databases (gnomAD no frequency). This variant has not been reported in the literature in individuals affected with MSH6-related conditions. Invitae Evidence Modeling of protein sequence and biophysical properties (such as structural, functional, and spatial information, amino acid conservation, physicochemical variation, residue mobility, and thermodynamic stability) indicates that this missense variant is not expected to disrupt MSH6 protein function with a negative predictive value of 95%. In summary, the available evidence is currently insufficient to determine the role of this variant in disease. Therefore, it has been classified as a Variant of Uncertain Significance.

NM_000179.3(MSH6):c.1611G>T (p.Lys537Asn)

Gene: MSH6 (mutS homolog 6; plus strand). Cytogenetic location: 2p16.3.
Variant type: single nucleotide variant.
Coding change: c.1611G>T on transcript NM_000179.3 (MANE Select); coding-DNA position 1611, G replaced by T.
Protein change: p.Lys537Asn; replaces lysine 537 with asparagine.
Molecular consequence: missense variant. On other transcripts: non-coding transcript variant (4), intron variant (2).
Genome position (GRCh38, 1-based): chr2:47,799,594, G>T. VCF-style: chr2-47799594-G-T. GRCh37 (hg19) VCF-style: chr2-48026733-G-T.
Other names: c.1314G>T, p.Lys438Asn (NM_001406805.1, NM_001406827.1, NM_001406828.1 and 10 more transcripts); c.1086G>T, p.Lys362Asn (NM_001406806.1, NM_001406807.1, NM_001406799.1); c.1611G>T, p.Lys537Asn (NM_001406808.1, NM_001406809.1, NM_001406796.1 and 3 more transcripts); c.705G>T, p.Lys235Asn (NM_001406811.1, NM_001406812.1, NM_001406814.1 and 6 more transcripts); c.1617G>T, p.Lys539Asn (NM_001406813.1); c.1443G>T, p.Lys481Asn (NM_001406826.1); c.1606+5G>T (NM_001406817.1); c.628-1072G>T (NM_001407362.1); and 3 more; short protein forms K362N, K537N, K539N, K235N, K407N, K569N, K438N, K481N.
Identifiers: ClinVar variation 4777224 (VCV004777224.1).